The following is an entry in ClinVar:

NM_003742.4(ABCB11):c.1842T>C (p.Ala614=)

Gene: ABCB11 (ATP binding cassette subfamily B member 11; minus strand). Cytogenetic location: 2q31.1.
Variant type: single nucleotide variant.
Coding change: c.1842T>C on transcript NM_003742.4 (MANE Select); coding-DNA position 1842, T replaced by C.
Protein change: p.Ala614=; no amino-acid change (alanine 614 retained).
Molecular consequence: synonymous variant.
Genome position (GRCh38, 1-based): chr2:168,969,519, A>G on the plus strand (T>C on the coding strand, the complement: ABCB11 is on the minus strand). VCF-style: chr2-168969519-A-G. GRCh37 (hg19) VCF-style: chr2-169826029-A-G.
Other names: c.1842T>C (NM_003742.2).
Identifiers: ClinVar variation 1108602 (VCV001108602.10), dbSNP rs201589744, ClinGen allele CA1951444.

ClinVar aggregate classification (germline): Likely benign. Review status: criteria provided, multiple submitters, no conflicts (2 of 4 stars). 2 submissions from 2 submitters: Likely benign (2). Last evaluated 2026-03-07.

Conditions:
ABCB11-related disorder. Also called: ABCB11-related condition.

Allele frequency attached by ClinVar (database versions not stated): gnomAD exomes 0.00001 and 0.00003; ExAC 0.00005; gnomAD 0.00008 and 0.00009; TOPMed 0.00012; 1000 Genomes Project 30x 0.00016; ESP Exome Variant Server 0.00016; 1000 Genomes Project 0.00020.
gnomAD v4.1: 18 of 1,612,476 alleles (0.0011%); highest among the groups gnomAD compares: African/African-American, 0.019%; no homozygotes.

Submissions (2):

PreventionGenetics, part of Exact Sciences
Classification: Likely benign for ABCB11-related condition. Last evaluated: 2026-03-07. Review status: criteria provided, single submitter. Criteria: ACMG Guidelines, 2015. Collection method: clinical testing. Allele origin: germline.
Comment: This variant is classified as likely benign based on ACMG/AMP sequence variant interpretation guidelines (Richards et al. 2015 PMID: 25741868, with internal and published modifications).

Labcorp Genetics (formerly Invitae), Labcorp
Classification: Likely benign. Last evaluated: 2024-02-23. Review status: criteria provided, single submitter. Criteria: Invitae Variant Classification Sherloc (09022015). Collection method: clinical testing. Allele origin: germline.